The following is an entry in ClinVar:

ClinVar aggregate classification (germline): Uncertain significance (1 of 4 stars; one submission).

Conditions:
Inborn genetic diseases. Identifiers: MedGen C0950123, MeSH D030342.

gnomAD v4.1: 1 of 1,588,784 alleles (0.000063%); highest among the groups gnomAD compares: Admixed American, 0.0018%; no homozygotes.

Submission:

Ambry Genetics
Classification: Uncertain significance for Inborn genetic diseases. Last evaluated: 2024-12-21. Review status: criteria provided, single submitter. Criteria: Ambry Variant Classification Scheme 2023. Collection method: clinical testing. Allele origin: germline.
Comment: The p.P3A variant (also known as c.7C>G), located in coding exon 1 of the ERCC6L2 gene, results from a C to G substitution at nucleotide position 7. The proline at codon 3 is replaced by alanine, an amino acid with highly similar properties. This amino acid position is conserved. In addition, this alteration is predicted to be tolerated by in silico analysis. Based on the available evidence, the clinical significance of this variant remains unclear.

NM_020207.7(ERCC6L2):c.7C>G (p.Pro3Ala)

Gene: ERCC6L2 (ERCC excision repair 6 like 2; plus strand). Cytogenetic location: 9q22.32.
Variant type: single nucleotide variant.
Coding change: c.7C>G on transcript NM_020207.7 (MANE Select); coding-DNA position 7, C replaced by G.
Protein change: p.Pro3Ala; replaces proline 3 with alanine.
Molecular consequence: missense variant. On other transcripts: non-coding transcript variant (1).
Genome position (GRCh38, 1-based): chr9:95,876,045, C>G. VCF-style: chr9-95876045-C-G. GRCh37 (hg19) VCF-style: chr9-98638327-C-G.
Other names: c.7C>G, p.Pro3Ala (NM_001010895.4, NM_001375291.1, NM_001375292.1 and 2 more transcripts); short protein forms P3A.
Identifiers: ClinVar variation 3845816 (VCV003845816.1).
Genomic context (GRCh38, chr9:95,876,045, plus strand): 5'-CCGCCGCCTTCCGGGTGTTACATGCAGCCGGGCTCGGCCCCTCCCCCTGGCCGGATGGAT[C>G]CGTCGGCGCCACAGCCCCGCGCGGAAACCTCAGGCAAAGGTACCAGCTCCGCGCTCGCCC-3'
Protein context (NP_064592.3, residues 1-13): MD[Pro3Ala]SAPQPRAETS